The following is an entry in ClinVar:

ClinVar aggregate classification (germline): Uncertain significance (1 of 4 stars; one submission).

Submission:

Labcorp Genetics (formerly Invitae), Labcorp
Classification: Uncertain significance. Last evaluated: 2025-10-29. Review status: criteria provided, single submitter. Criteria: Invitae Variant Classification Sherloc (09022015). Collection method: clinical testing. Allele origin: germline.
Comment: This sequence change replaces methionine, which is neutral and non-polar, with threonine, which is neutral and polar, at codon 1453 of the SAMD9 protein (p.Met1453Thr). This variant is not present in population databases (gnomAD no frequency). This variant has not been reported in the literature in individuals affected with SAMD9-related conditions. Invitae Evidence Modeling of protein sequence and biophysical properties (such as structural, functional, and spatial information, amino acid conservation, physicochemical variation, residue mobility, and thermodynamic stability) indicates that this missense variant is not expected to disrupt SAMD9 protein function with a negative predictive value of 95%. In summary, the available evidence is currently insufficient to determine the role of this variant in disease. Therefore, it has been classified as a Variant of Uncertain Significance.

NM_017654.4(SAMD9):c.4358T>C (p.Met1453Thr)

Gene: SAMD9 (sterile alpha motif domain containing 9; minus strand). Cytogenetic location: 7q21.2.
Variant type: single nucleotide variant.
Coding change: c.4358T>C on transcript NM_017654.4 (MANE Select); coding-DNA position 4358, T replaced by C.
Protein change: p.Met1453Thr; replaces methionine 1453 with threonine.
Molecular consequence: missense variant.
Genome position (GRCh38, 1-based): chr7:93,101,740, A>G on the plus strand (T>C on the coding strand, the complement: SAMD9 is on the minus strand). VCF-style: chr7-93101740-A-G. GRCh37 (hg19) VCF-style: chr7-92731053-A-G.
Other names: c.4358T>C, p.Met1453Thr (NM_001193307.2); short protein forms M1453T.
Identifiers: ClinVar variation 4797137 (VCV004797137.1).
Genomic context (GRCh38, chr7:93,101,740, plus strand): 5'-CGATGCATATGTTTATATTGCCCCTTGAAAGAATTTTTTAGTGCTTGAGCATACTCTTTC[A>G]TTTGTTCAGAATGTTGATCTAGTTGTTGATTTTCTGGCCAGAATAAGAGGGAAGCTAGAA-3'
Protein context (NP_060124.2, residues 1443-1463): NQQLDQHSEQ[Met1453Thr]KEYAQALKNS